The following is an entry in ClinVar:

ClinVar aggregate classification (germline): Uncertain significance. Review status: criteria provided, multiple submitters, no conflicts (2 of 4 stars). 2 submissions from 2 submitters: Uncertain significance (2). Last evaluated 2026-06-16.

Conditions:
Hereditary cancer-predisposing syndrome. Also called: Hereditary Cancer Syndrome; Hereditary neoplastic syndrome; Neoplastic Syndromes, Hereditary; Tumor predisposition. Identifiers: Orphanet 140162, MedGen C0027672, MeSH D009386, MONDO:0015356.

Submissions (2):

Ambry Genetics
Classification: Uncertain significance for Hereditary cancer-predisposing syndrome. Last evaluated: 2026-06-16. Review status: criteria provided, single submitter. Criteria: Ambry Variant Classification Scheme 2023. Collection method: clinical testing. Allele origin: germline.
Comment: The p.V306F variant (also known as c.916G>T), located in coding exon 7 of the FH gene, results from a G to T substitution at nucleotide position 916. The valine at codon 306 is replaced by phenylalanine, an amino acid with highly similar properties. This amino acid position is highly conserved in available vertebrate species. In addition, this alteration is predicted to be deleterious by in silico analysis. Based on the available evidence, the clinical significance of this variant remains unclear.

Labcorp Genetics (formerly Invitae), Labcorp
Classification: Uncertain significance. Last evaluated: 2025-08-13. Review status: criteria provided, single submitter. Criteria: Invitae Variant Classification Sherloc (09022015). Collection method: clinical testing. Allele origin: germline.
Comment: This sequence change replaces valine, which is neutral and non-polar, with phenylalanine, which is neutral and non-polar, at codon 306 of the FH protein (p.Val306Phe). This variant is not present in population databases (gnomAD no frequency). This variant has not been reported in the literature in individuals affected with FH-related conditions. Invitae Evidence Modeling of protein sequence and biophysical properties (such as structural, functional, and spatial information, amino acid conservation, physicochemical variation, residue mobility, and thermodynamic stability) indicates that this missense variant is expected to disrupt FH protein function with a positive predictive value of 80%. In summary, the available evidence is currently insufficient to determine the role of this variant in disease. Therefore, it has been classified as a Variant of Uncertain Significance.

NM_000143.4(FH):c.916G>T (p.Val306Phe)

Gene: FH (fumarate hydratase; minus strand). Cytogenetic location: 1q43.
Variant type: single nucleotide variant.
Coding change: c.916G>T on transcript NM_000143.4 (MANE Select); coding-DNA position 916, G replaced by T.
Protein change: p.Val306Phe; replaces valine 306 with phenylalanine.
Molecular consequence: missense variant.
Genome position (GRCh38, 1-based): chr1:241,504,234, C>A on the plus strand (G>T on the coding strand, the complement: FH is on the minus strand). VCF-style: chr1-241504234-C-A. GRCh37 (hg19) VCF-style: chr1-241667534-C-A.
Other names: short protein forms V306F.
Identifiers: ClinVar variation 4641954 (VCV004641954.3).